The following is an entry in ClinVar:

NM_014915.3(ANKRD26):c.-138_-135dup

Gene: ANKRD26 (ankyrin repeat domain 26; minus strand). Cytogenetic location: 10p12.1.
Variant type: Duplication.
Coding change: c.-138_-135dup on transcript NM_014915.3 (MANE Select); 138 bases upstream of the start codon through 135 bases upstream of the start codon, 4 bases duplicated (CGGA; older notation c.-138_-135dupCGGA).
Molecular consequence: 5 prime UTR variant.
Genome position (GRCh38, 1-based): chr10:27,100,461-27,100,464, TCCG duplicated on the plus strand (CGGA on the coding strand, the reverse complement: ANKRD26 is on the minus strand). VCF-style (leftmost placement, unchanged base first): chr10-27100460-C-CTCCG. GRCh37 (hg19) VCF-style: chr10-27389389-C-CTCCG.
Other names: c.-138_-135dup (NM_001256053.2).
Identifiers: ClinVar variation 1913800 (VCV001913800.5), dbSNP rs2056615647, ClinGen allele CA926162644.
Genomic context (GRCh38, chr10:27,100,460, plus strand): 5'-CAAGTCAGCCCCGGCTGGCCGCAGCCTCCCAAAGGAAACTCCGCGGTTTCCAATCTCTCC[C>CTCCG]TCCGGGTTACCAAGCAAGCGATCCCGCTAGACACAAGTGCGCATGCGCACCTCAGATGGC-3'

ClinVar aggregate classification (germline): Uncertain significance (1 of 4 stars; one submission).

Allele frequency attached by ClinVar (database versions not stated): gnomAD exomes below 0.00001; gnomAD 0.00001.

Submission:

Labcorp Genetics (formerly Invitae), Labcorp
Classification: Uncertain significance. Last evaluated: 2022-05-31. Review status: criteria provided, single submitter. Criteria: Invitae Variant Classification Sherloc (09022015). Collection method: clinical testing. Allele origin: germline.
Comment: In summary, the available evidence is currently insufficient to determine the role of this variant in disease. Therefore, it has been classified as a Variant of Uncertain Significance. Experimental studies and prediction algorithms are not available or were not evaluated, and the functional significance of this variant is currently unknown. This variant has not been reported in the literature in individuals affected with ANKRD26-related conditions. This variant is not present in population databases (gnomAD no frequency). This variant occurs in a non-coding region of the ANKRD26 gene. It does not change the encoded amino acid sequence of the ANKRD26 protein.